The following is an entry in ClinVar:

NM_030624.3(KLHL15):c.*3122G>A

Gene: KLHL15 (kelch like family member 15; minus strand). Cytogenetic location: Xp22.11.
Variant type: single nucleotide variant.
Coding change: c.*3122G>A on transcript NM_030624.3 (MANE Select); 3122 bases downstream of the stop codon, G replaced by A.
Molecular consequence: 3 prime UTR variant.
Genome position (GRCh38, 1-based): chrX:23,984,799, C>T on the plus strand (G>A on the coding strand, the complement: KLHL15 is on the minus strand). VCF-style: chrX-23984799-C-T. GRCh37 (hg19) VCF-style: chrX-24002916-C-T.
Identifiers: ClinVar variation 3027174 (VCV003027174.22), dbSNP rs955164093, ClinGen allele CA327674214.

ClinVar aggregate classification (germline): Likely benign (1 of 4 stars; one submission).

Allele frequency attached by ClinVar (database versions not stated): TOPMed 0.00042.

Submission:

CeGaT Center for Human Genetics Tuebingen
Classification: Likely benign. Last evaluated: 2024-02-01. Review status: criteria provided, single submitter. Criteria: CeGaT Center For Human Genetics Tuebingen Variant Classification Criteria Version 2. Collection method: clinical testing. Allele origin: germline. Affected: yes. Observed: 1 variant allele.
Comment: KLHL15: PP2, BS2